The following is an entry in ClinVar:

NM_000336.3(SCNN1B):c.1304C>T (p.Ala435Val)

Gene: SCNN1B (sodium channel epithelial 1 subunit beta; plus strand). Cytogenetic location: 16p12.2.
Variant type: single nucleotide variant.
Coding change: c.1304C>T on transcript NM_000336.3 (MANE Select); coding-DNA position 1304, C replaced by T.
Protein change: p.Ala435Val; replaces alanine 435 with valine.
Molecular consequence: missense variant.
Genome position (GRCh38, 1-based): chr16:23,377,198, C>T. VCF-style: chr16-23377198-C-T. GRCh37 (hg19) VCF-style: chr16-23388519-C-T.
Other names: c.1196C>T, p.Ala399Val (NM_001410900.1); short protein forms A435V, A399V.
Identifiers: ClinVar variation 3579996 (VCV003579996.2).

ClinVar aggregate classification (germline): Uncertain significance. Review status: criteria provided, multiple submitters, no conflicts (2 of 4 stars). 2 submissions from 2 submitters: Uncertain significance (2). Last evaluated 2025-08-01.

Conditions:
Bronchiectasis with or without elevated sweat chloride 1 (BESC1). Also called: Cystic Fibrosis-Like Syndrome. Identifiers: Orphanet 60033, MedGen C2749757, MONDO:0008887, OMIM 211400.
Pseudohypoaldosteronism, type IB2, autosomal recessive (PHA1B2). Identifiers: MedGen C5774255, MONDO:0859317, OMIM 620125.
Liddle syndrome 1 (LIDLS1). Also called: PSEUDOALDOSTERONISM. Identifiers: Orphanet 526, MedGen CN031472, MONDO:0020607, OMIM 177200.

gnomAD v4.1: 67 of 1,614,082 alleles (0.0042%); highest among the groups gnomAD compares: Non-Finnish European, 0.005%; no homozygotes.

Submissions (2):

Labcorp Genetics (formerly Invitae), Labcorp
Classification: Uncertain significance. Last evaluated: 2025-08-01. Review status: criteria provided, single submitter. Criteria: Invitae Variant Classification Sherloc (09022015). Collection method: clinical testing. Allele origin: germline.
Comment: This sequence change replaces alanine, which is neutral and non-polar, with valine, which is neutral and non-polar, at codon 435 of the SCNN1B protein (p.Ala435Val). This variant is present in population databases (no rsID available, gnomAD 0.006%). This variant has not been reported in the literature in individuals affected with SCNN1B-related conditions. ClinVar contains an entry for this variant (Variation ID: 3579996). Invitae Evidence Modeling of protein sequence and biophysical properties (such as structural, functional, and spatial information, amino acid conservation, physicochemical variation, residue mobility, and thermodynamic stability) indicates that this missense variant is not expected to disrupt SCNN1B protein function with a negative predictive value of 80%. In summary, the available evidence is currently insufficient to determine the role of this variant in disease. Therefore, it has been classified as a Variant of Uncertain Significance.

Fulgent Genetics
Classification: Uncertain significance for Liddle syndrome 1; Bronchiectasis with or without elevated sweat chloride 1; Pseudohypoaldosteronism, type IB2, autosomal recessive. Last evaluated: 2024-06-18. Review status: criteria provided, single submitter. Criteria: ACMG Guidelines, 2015. Collection method: clinical testing. Allele origin: germline.